The following is an entry in ClinVar:

NM_002907.4(RECQL):c.334G>A (p.Val112Ile)

Gene: RECQL (RecQ like helicase; minus strand). Cytogenetic location: 12p12.1.
Variant type: single nucleotide variant.
Coding change: c.334G>A on transcript NM_002907.4 (MANE Select); coding-DNA position 334, G replaced by A.
Protein change: p.Val112Ile; replaces valine 112 with isoleucine.
Molecular consequence: missense variant.
Genome position (GRCh38, 1-based): chr12:21,490,259, C>T on the plus strand (G>A on the coding strand, the complement: RECQL is on the minus strand). VCF-style: chr12-21490259-C-T. GRCh37 (hg19) VCF-style: chr12-21643193-C-T.
Other names: c.334G>A, p.Val112Ile (NM_032941.3); short protein forms V112I.
Identifiers: ClinVar variation 2585992 (VCV002585992.2), dbSNP rs2540399555, ClinGen allele CA384132607.

ClinVar aggregate classification (germline): Uncertain significance (1 of 4 stars; one submission).

Allele frequency attached by ClinVar (database versions not stated): gnomAD exomes below 0.00001.
gnomAD v4.1: 1 of 1,613,166 alleles (0.000062%); highest among the groups gnomAD compares: African/African-American, 0.0013%; no homozygotes.

Submission:

Ambry Genetics
Classification: Uncertain significance. Last evaluated: 2023-06-24. Review status: criteria provided, single submitter. Criteria: Ambry Variant Classification Scheme 2023. Collection method: clinical testing. Allele origin: germline.
Comment: The p.V112I variant (also known as c.334G>A), located in coding exon 3 of the RECQL gene, results from a G to A substitution at nucleotide position 334. The valine at codon 112 is replaced by isoleucine, an amino acid with highly similar properties. This amino acid position is conserved. In addition, this alteration is predicted to be tolerated by in silico analysis. Since supporting evidence is limited at this time, the clinical significance of this alteration remains unclear.